The following is an entry in ClinVar:

NM_000465.4(BARD1):c.342G>T (p.Leu114Phe)

Gene: BARD1 (BRCA1 associated RING domain 1; minus strand). Cytogenetic location: 2q35.
Variant type: single nucleotide variant.
Coding change: c.342G>T on transcript NM_000465.4 (MANE Select); coding-DNA position 342, G replaced by T.
Protein change: p.Leu114Phe; replaces leucine 114 with phenylalanine.
Molecular consequence: missense variant. On other transcripts: non-coding transcript variant (1), intron variant (2).
Genome position (GRCh38, 1-based): chr2:214,792,319, C>A on the plus strand (G>T on the coding strand, the complement: BARD1 is on the minus strand). VCF-style: chr2-214792319-C-A. GRCh37 (hg19) VCF-style: chr2-215657043-C-A.
Other names: c.285G>T, p.Leu95Phe (NM_001282543.2); c.342G>T, p.Leu114Phe (NM_001282549.2); c.158+17093G>T (NM_001282548.2); c.215+4742G>T (NM_001282545.2); c.342G>T (NM_000465.3); short protein forms L114F, L95F.
Identifiers: ClinVar variation 1445151 (VCV001445151.8), dbSNP rs2106134524, ClinGen allele CA350460813.

ClinVar aggregate classification (germline): Uncertain significance. Review status: criteria provided, multiple submitters, no conflicts (2 of 4 stars). 2 submissions from 2 submitters: Uncertain significance (2). Last evaluated 2024-03-26.

Conditions:
Familial cancer of breast. Also called: hereditary breast carcinoma; Hereditary breast cancer; BREAST CANCER, FAMILIAL. Identifiers: Orphanet 227535, MedGen C0346153, MONDO:0016419, OMIM 114480. Disease mechanism: loss of function.

Submissions (2):

Quest Diagnostics Nichols Institute San Juan Capistrano
Classification: Uncertain significance. Last evaluated: 2024-03-26. Review status: criteria provided, single submitter. Criteria: Quest Diagnostics criteria. Collection method: clinical testing. Allele origin: unknown.
Comment: The BARD1 c.342G>T (p.Leu114Phe) variant has not been reported in individuals with BARD1-related conditions in the published literature. It also has not been reported in large, multi-ethnic general populations (Genome Aggregation Database). Analysis of this variant using bioinformatics tools for the prediction of the effect of amino acid changes on protein structure and function yielded conflicting predictions that this variant is benign or damaging. Based on the available information, we are unable to determine the clinical significance of this variant.

Labcorp Genetics (formerly Invitae), Labcorp
Classification: Uncertain significance for Familial cancer of breast. Last evaluated: 2021-10-13. Review status: criteria provided, single submitter. Criteria: Invitae Variant Classification Sherloc (09022015). Collection method: clinical testing. Allele origin: germline.
Comment: This sequence change replaces leucine with phenylalanine at codon 114 of the BARD1 protein (p.Leu114Phe). The leucine residue is highly conserved and there is a small physicochemical difference between leucine and phenylalanine. This variant is not present in population databases (ExAC no frequency). This variant has not been reported in the literature in individuals affected with BARD1-related conditions. Algorithms developed to predict the effect of missense changes on protein structure and function are either unavailable or do not agree on the potential impact of this missense change (SIFT: "Deleterious"; PolyPhen-2: "Possibly Damaging"; Align-GVGD: "Class C15"). In summary, the available evidence is currently insufficient to determine the role of this variant in disease. Therefore, it has been classified as a Variant of Uncertain Significance.